The following is an entry in ClinVar:

ClinVar aggregate classification (germline): Pathogenic (1 of 4 stars; one submission).

Conditions:
Greig cephalopolysyndactyly syndrome (GCPS). Also called: GLI3-Related Greig Cephalopolysyndactyly Syndrome; POLYSYNDACTYLY WITH PECULIAR SKULL SHAPE; Greig syndrome. Identifiers: Orphanet 380, MedGen C0265306, MONDO:0008287, OMIM 175700.
Pallister-Hall syndrome (PHS). Also called: GLI3-Related Pallister-Hall Syndrome; HYPOTHALAMIC HAMARTOBLASTOMA, HYPOPITUITARISM, IMPERFORATE ANUS, AND POSTAXIAL POLYDACTYLY. Identifiers: Orphanet 672, MedGen C0265220, MONDO:0007804, OMIM 146510.

Submission:

Labcorp Genetics (formerly Invitae), Labcorp
Classification: Pathogenic for Pallister-Hall syndrome; Greig cephalopolysyndactyly syndrome. Last evaluated: 2023-11-25. Review status: criteria provided, single submitter. Criteria: Invitae Variant Classification Sherloc (09022015). Collection method: clinical testing. Allele origin: germline.
Comment: This sequence change creates a premature translational stop signal (p.Asp519Serfs*12) in the GLI3 gene. It is expected to result in an absent or disrupted protein product. Loss-of-function variants in GLI3 are known to be pathogenic (PMID: 10441570, 15739154, 18000979, 24736735). This variant is not present in population databases (gnomAD no frequency). This variant has not been reported in the literature in individuals affected with GLI3-related conditions. For these reasons, this variant has been classified as Pathogenic.

Literature cited by the submitters: PubMed 10441570; PubMed 15739154; PubMed 18000979; PubMed 24736735.

NM_000168.6(GLI3):c.1555_1567del (p.Asp519fs)

Gene: GLI3 (GLI family zinc finger 3; minus strand). Cytogenetic location: 7p14.1.
Variant type: Deletion.
Coding change: c.1555_1567del on transcript NM_000168.6 (MANE Select); coding-DNA positions 1555 to 1567, 13 bases deleted (GACTGCTCAAGAG).
Protein change: p.Asp519fs; shifts the reading frame from aspartic acid 519.
Molecular consequence: frameshift variant.
Genome position (GRCh38, 1-based): chr7:41,978,679-41,978,691, CTCTTGAGCAGTC deleted on the plus strand (GACTGCTCAAGAG on the coding strand, the reverse complement: GLI3 is on the minus strand); deleting any 13 consecutive bases within chr7:41,978,679-41,978,692 gives the same sequence; the c. name uses the placement nearest the transcript's 3' end. VCF-style (leftmost placement, unchanged base first): chr7-41978678-TCTCTTGAGCAGTC-T. GRCh37 (hg19) VCF-style: chr7-42018277-TCTCTTGAGCAGTC-T.
Other names: short protein forms D519fs.
Identifiers: ClinVar variation 2954234 (VCV002954234.3), dbSNP rs2484450103, ClinGen allele CA2740097351.